The following is an entry in ClinVar:

ClinVar aggregate classification (germline): Conflicting classifications of pathogenicity. Review status: criteria provided, conflicting classifications (1 of 4 stars). 3 submissions from 3 submitters: Uncertain significance (1); Likely benign (2). Last evaluated 2025-09-15.

Conditions:
Cardiovascular phenotype. Identifiers: MedGen CN230736.
Progressive familial heart block type IB (PFHB1B). Identifiers: Orphanet 871, MedGen C1970298, MONDO:0011474, OMIM 604559.

gnomAD v4.1: 1 of 1,534,850 alleles (0.000065%); highest among the groups gnomAD compares: Non-Finnish European, 0.000087%; no homozygotes.

Submissions (3):

Labcorp Genetics (formerly Invitae), Labcorp
Classification: Uncertain significance for Progressive familial heart block type IB. Last evaluated: 2025-09-15. Review status: criteria provided, single submitter. Criteria: Invitae Variant Classification Sherloc (09022015). Collection method: clinical testing. Allele origin: germline.
Comment: This sequence change replaces proline, which is neutral and non-polar, with serine, which is neutral and polar, at codon 4 of the TRPM4 protein (p.Pro4Ser). This variant is not present in population databases (gnomAD no frequency). This variant has not been reported in the literature in individuals affected with TRPM4-related conditions. ClinVar contains an entry for this variant (Variation ID: 1525658). An algorithm developed to predict the effect of missense changes on protein structure and function outputs the following: PolyPhen-2: "Benign". The serine amino acid residue is found in multiple mammalian species, which suggests that this missense change does not adversely affect protein function. In summary, the available evidence is currently insufficient to determine the role of this variant in disease. Therefore, it has been classified as a Variant of Uncertain Significance.

Ambry Genetics
Classification: Likely benign for Cardiovascular phenotype. Last evaluated: 2025-08-28. Review status: criteria provided, single submitter. Criteria: Ambry Variant Classification Scheme 2023. Collection method: clinical testing. Allele origin: germline.

Blueprint Genetics
Classification: Likely benign. Last evaluated: 2024-11-06. Review status: criteria provided, single submitter. Criteria: ACMG Guidelines, 2015. Collection method: clinical testing. Allele origin: germline.

NM_017636.4(TRPM4):c.10C>T (p.Pro4Ser)

Gene: TRPM4 (transient receptor potential cation channel subfamily M member 4; plus strand). Cytogenetic location: 19q13.33.
Variant type: single nucleotide variant.
Coding change: c.10C>T on transcript NM_017636.4 (MANE Select); coding-DNA position 10, C replaced by T.
Protein change: p.Pro4Ser; replaces proline 4 with serine.
Molecular consequence: missense variant. On other transcripts: 5 prime UTR variant (3).
Genome position (GRCh38, 1-based): chr19:49,157,876, C>T. VCF-style: chr19-49157876-C-T. GRCh37 (hg19) VCF-style: chr19-49661133-C-T.
Other names: c.10C>T, p.Pro4Ser (NM_001195227.2, NM_001321281.2); c.-1363C>T (NM_001321282.2); c.-157C>T (NM_001321283.2); c.-320C>T (NM_001321285.2); c.10C>T (NM_017636.3); short protein forms P4S.
Identifiers: ClinVar variation 1525658 (VCV001525658.8), dbSNP rs1280227892, ClinGen allele CA406787655.